The following is an entry in ClinVar:

ClinVar aggregate classification (germline): Uncertain significance. Review status: criteria provided, multiple submitters, no conflicts (2 of 4 stars). 2 submissions from 2 submitters: Uncertain significance (2). Last evaluated 2025-04-18.

Allele frequency attached by ClinVar (database versions not stated): gnomAD 0.00004; TOPMed 0.00005; 1000 Genomes Project 30x 0.00016.
gnomAD v4.1: 28 of 1,557,302 alleles (0.0018%); highest among the groups gnomAD compares: East Asian, 0.03%; no homozygotes.

Submissions (2):

Ambry Genetics
Classification: Uncertain significance. Last evaluated: 2025-04-18. Review status: criteria provided, single submitter. Criteria: Ambry Variant Classification Scheme 2023. Collection method: clinical testing. Allele origin: germline.

Labcorp Genetics (formerly Invitae), Labcorp
Classification: Uncertain significance. Last evaluated: 2025-01-20. Review status: criteria provided, single submitter. Criteria: Invitae Variant Classification Sherloc (09022015). Collection method: clinical testing. Allele origin: germline.
Comment: This sequence change replaces serine, which is neutral and polar, with alanine, which is neutral and non-polar, at codon 75 of the TERF2IP protein (p.Ser75Ala). This variant is present in population databases (rs373520534, gnomAD 0.06%). This variant has not been reported in the literature in individuals affected with TERF2IP-related conditions. ClinVar contains an entry for this variant (Variation ID: 1788267). An algorithm developed to predict the effect of missense changes on protein structure and function outputs the following: PolyPhen-2: "Benign". The alanine amino acid residue is found in multiple mammalian species, which suggests that this missense change does not adversely affect protein function. In summary, the available evidence is currently insufficient to determine the role of this variant in disease. Therefore, it has been classified as a Variant of Uncertain Significance.

NM_018975.4(TERF2IP):c.223T>G (p.Ser75Ala)

Gene: TERF2IP (TERF2 interacting protein; plus strand). Cytogenetic location: 16q23.1.
Variant type: single nucleotide variant.
Coding change: c.223T>G on transcript NM_018975.4 (MANE Select); coding-DNA position 223, T replaced by G.
Protein change: p.Ser75Ala; replaces serine 75 with alanine.
Molecular consequence: missense variant. On other transcripts: non-coding transcript variant (1).
Genome position (GRCh38, 1-based): chr16:75,648,105, T>G. VCF-style: chr16-75648105-T-G. GRCh37 (hg19) VCF-style: chr16-75682003-T-G.
Other names: short protein forms S75A.
Identifiers: ClinVar variation 1788267 (VCV001788267.9), dbSNP rs373520534, ClinGen allele CA284334272.